The following is an entry in ClinVar:

ClinVar aggregate classification (germline): Uncertain significance. Review status: criteria provided, multiple submitters, no conflicts (2 of 4 stars). 2 submissions from 2 submitters: Uncertain significance (2). Last evaluated 2024-02-16.

Conditions:
Hereditary breast ovarian cancer syndrome. Also called: Hereditary breast and ovarian cancer; Hereditary breast and ovarian cancer syndrome; Hereditary breast and ovarian cancer syndrome (HBOC); Breast and ovarian cancer; Hereditary breast and/or ovarian cancer syndrome; BRCA1- and BRCA2-Associated Hereditary Breast and Ovarian Cancer. Identifiers: Orphanet 145, MedGen C0677776, MeSH D061325, MONDO:0003582. Disease mechanism: loss of function.

Submissions (2):

Labcorp Genetics (formerly Invitae), Labcorp
Classification: Uncertain significance for Hereditary breast ovarian cancer syndrome. Last evaluated: 2024-02-16. Review status: criteria provided, single submitter. Criteria: Invitae Variant Classification Sherloc (09022015). Collection method: clinical testing. Allele origin: germline.
Comment: This sequence change replaces leucine, which is neutral and non-polar, with phenylalanine, which is neutral and non-polar, at codon 657 of the BRCA2 protein (p.Leu657Phe). This variant is not present in population databases (gnomAD no frequency). This variant has not been reported in the literature in individuals affected with BRCA2-related conditions. ClinVar contains an entry for this variant (Variation ID: 2627290). Advanced modeling of protein sequence and biophysical properties (such as structural, functional, and spatial information, amino acid conservation, physicochemical variation, residue mobility, and thermodynamic stability) performed at Invitae indicates that this missense variant is not expected to disrupt BRCA2 protein function with a negative predictive value of 95%. In summary, the available evidence is currently insufficient to determine the role of this variant in disease. Therefore, it has been classified as a Variant of Uncertain Significance.

Women's Health and Genetics/Laboratory Corporation of America, LabCorp
Classification: Uncertain significance. Last evaluated: 2023-09-21. Review status: criteria provided, single submitter. Criteria: LabCorp Variant Classification Summary - May 2015. Collection method: clinical testing. Allele origin: germline.
Comment: Variant summary: BRCA2 c.1971G>T (p.Leu657Phe) results in a non-conservative amino acid change in the encoded protein sequence. Four of five in-silico tools predict a benign effect of the variant on protein function. The variant was absent in 244374 control chromosomes (gnomAD). The available data on variant occurrences in the general population are insufficient to allow any conclusion about variant significance. To our knowledge, no occurrence of c.1971G>T in individuals affected with Hereditary Breast And Ovarian Cancer Syndrome and no experimental evidence demonstrating its impact on protein function have been reported. No submitters have cited clinical-significance assessments for this variant to ClinVar after 2014. Based on the evidence outlined above, the variant was classified as uncertain significance.

NM_000059.4(BRCA2):c.1971G>T (p.Leu657Phe)

Gene: BRCA2 (BRCA2 DNA repair associated; plus strand). Cytogenetic location: 13q13.1.
Variant type: single nucleotide variant.
Coding change: c.1971G>T on transcript NM_000059.4 (MANE Select); coding-DNA position 1971, G replaced by T.
Protein change: p.Leu657Phe; replaces leucine 657 with phenylalanine.
Molecular consequence: missense variant. On other transcripts: non-coding transcript variant (1), intron variant (2).
Genome position (GRCh38, 1-based): chr13:32,336,326, G>T. VCF-style: chr13-32336326-G-T. GRCh37 (hg19) VCF-style: chr13-32910463-G-T.
Other names: c.1971G>T, p.Leu657Phe (NM_001406719.1, NM_001406720.1); c.1909+2939G>T (NM_001406721.1); c.424+5296G>T (NM_001406722.1); short protein forms L657F.
Identifiers: ClinVar variation 2627290 (VCV002627290.3), dbSNP rs1344459716, ClinGen allele CA387768547.